The following is an entry in ClinVar:

ClinVar aggregate classification (germline): Uncertain significance. Review status: criteria provided, multiple submitters, no conflicts (2 of 4 stars). 3 submissions from 3 submitters: Uncertain significance (3). Last evaluated 2024-12-10.

Conditions:
Heterotaxy, visceral, 6, autosomal (HTX6). Also called: Heterotaxy, visceral, 6, autosomal recessive. Identifiers: Orphanet 450, MedGen C3553676, MONDO:0013887, OMIM 614779.
Inborn genetic diseases. Identifiers: MedGen C0950123, MeSH D030342.

Allele frequency attached by ClinVar (database versions not stated): ExAC 0.00001; gnomAD 0.00001; TOPMed 0.00001; gnomAD exomes 0.00002 and 0.00004.
gnomAD v4.1: 54 of 1,612,250 alleles (0.0033%); highest among the groups gnomAD compares: Non-Finnish European, 0.0044%; no homozygotes.

Submissions (3):

Ambry Genetics
Classification: Uncertain significance for Inborn genetic diseases. Last evaluated: 2024-12-10. Review status: criteria provided, single submitter. Criteria: Ambry Variant Classification Scheme 2023. Collection method: clinical testing. Allele origin: germline.

Blueprint Genetics
Classification: Uncertain significance. Last evaluated: 2024-02-28. Review status: criteria provided, single submitter. Criteria: ACMG Guidelines, 2015. Collection method: clinical testing. Allele origin: germline.

Labcorp Genetics (formerly Invitae), Labcorp
Classification: Uncertain significance for Heterotaxy, visceral, 6, autosomal. Last evaluated: 2022-06-20. Review status: criteria provided, single submitter. Criteria: Invitae Variant Classification Sherloc (09022015). Collection method: clinical testing. Allele origin: germline.
Comment: In summary, the available evidence is currently insufficient to determine the role of this variant in disease. Therefore, it has been classified as a Variant of Uncertain Significance. Algorithms developed to predict the effect of missense changes on protein structure and function output the following: SIFT: "Not Available"; PolyPhen-2: "Benign"; Align-GVGD: "Not Available". The phenylalanine amino acid residue is found in multiple mammalian species, which suggests that this missense change does not adversely affect protein function. This variant has not been reported in the literature in individuals affected with CFAP53-related conditions. This variant is present in population databases (rs756279535, gnomAD 0.002%). This sequence change replaces leucine, which is neutral and non-polar, with phenylalanine, which is neutral and non-polar, at codon 258 of the CFAP53 protein (p.Leu258Phe).

NM_145020.5(CFAP53):c.772C>T (p.Leu258Phe)

Gene: CFAP53 (cilia and flagella associated protein 53; minus strand). Cytogenetic location: 18q21.1.
Variant type: single nucleotide variant.
Coding change: c.772C>T on transcript NM_145020.5 (MANE Select); coding-DNA position 772, C replaced by T.
Protein change: p.Leu258Phe; replaces leucine 258 with phenylalanine.
Molecular consequence: missense variant.
Genome position (GRCh38, 1-based): chr18:50,251,486, G>A on the plus strand (C>T on the coding strand, the complement: CFAP53 is on the minus strand). VCF-style: chr18-50251486-G-A. GRCh37 (hg19) VCF-style: chr18-47777856-G-A.
Other names: c.772C>T (NM_145020.3); short protein forms L258F.
Identifiers: ClinVar variation 1418796 (VCV001418796.10), dbSNP rs756279535, ClinGen allele CA8962311.